The following is an entry in ClinVar:

ClinVar aggregate classification (germline): Benign. Review status: criteria provided, multiple submitters, no conflicts (2 of 4 stars). 5 submissions from 5 submitters: Benign (5). Last evaluated 2026-02-04.

Conditions:
Primary ciliary dyskinesia. Also called: Ciliary dyskinesia. Identifiers: Orphanet 244, MedGen C0008780, MONDO:0016575, HP:0012265.

Allele frequency attached by ClinVar (database versions not stated): ESP Exome Variant Server 0.40128; TOPMed 0.42817; 1000 Genomes Project 30x 0.49859; 1000 Genomes Project 0.50120.
gnomAD v4.1: 689,620 of 1,572,462 alleles (44%); highest among the groups gnomAD compares: East Asian, 78%; 158,027 homozygotes.

Submissions (5):

Labcorp Genetics (formerly Invitae), Labcorp
Classification: Benign for Primary ciliary dyskinesia. Last evaluated: 2026-02-04. Review status: criteria provided, single submitter. Criteria: Invitae Variant Classification Sherloc (09022015). Collection method: clinical testing. Allele origin: germline.

Blueprint Genetics
Classification: Benign. Last evaluated: 2024-11-27. Review status: criteria provided, single submitter. Criteria: ACMG Guidelines, 2015. Collection method: clinical testing. Allele origin: germline.

Mayo Clinic Laboratories, Mayo Clinic
Classification: Benign. Last evaluated: 2022-04-26. Review status: criteria provided, single submitter. Criteria: ACMG Guidelines, 2015. Collection method: clinical testing. Allele origin: germline. Observed: 138 variant alleles.

GeneDx
Classification: Benign. Last evaluated: 2018-11-10. Review status: criteria provided, single submitter. Criteria: GeneDx Variant Classification Process June 2021. Collection method: clinical testing. Allele origin: germline. Affected: yes.

Laboratory for Molecular Medicine, Mass General Brigham Personalized Medicine
Classification: Benign. Last evaluated: 2016-03-28. Review status: criteria provided, single submitter. Criteria: LMM Criteria. Collection method: clinical testing. Allele origin: germline.
Comment: Variant identified in a genome or exome case(s) and assessed due to predicted null impact of the variant or pathogenic assertions in the literature or databases. Disclaimer: This variant has not undergone full assessment. The following are preliminary notes: Frequency

NM_001206927.2(DNAH8):c.3294C>G (p.Ser1098=)

Gene: DNAH8 (dynein axonemal heavy chain 8; plus strand). Cytogenetic location: 6p21.2.
Variant type: single nucleotide variant.
Coding change: c.3294C>G on transcript NM_001206927.2 (MANE Select); coding-DNA position 3294, C replaced by G.
Protein change: p.Ser1098=; no amino-acid change (serine 1098 retained).
Molecular consequence: synonymous variant.
Genome position (GRCh38, 1-based): chr6:38,814,090, C>G. VCF-style: chr6-38814090-C-G. GRCh37 (hg19) VCF-style: chr6-38781866-C-G.
Other names: p.Ser1098=; c.2643C>G, p.Ser881= (NM_001371.4).
Identifiers: ClinVar variation 402763 (VCV000402763.17), dbSNP rs1678690, ClinGen allele CA3788794.